The following is an entry in ClinVar:

NM_015272.5(RPGRIP1L):c.1244-1_1244insTTC

Gene: RPGRIP1L (RPGRIP1 like; minus strand). Cytogenetic location: 16q12.2.
Variant type: Insertion.
Coding change: c.1244-1_1244insTTC on transcript NM_015272.5 (MANE Select); the canonical splice acceptor site of the intron before coding-DNA position 1244 through coding-DNA position 1244, TTC inserted.
Molecular consequence: splice acceptor variant.
Genome position: GRCh38 VCF-style: chr16-53658878-T-TGAA. GRCh37 (hg19) VCF-style: chr16-53692790-T-TGAA.
Other names: c.1244-1_1244insTTC (NM_001127897.4, NM_001330538.2, NM_001308334.3).
Identifiers: ClinVar variation 4815825 (VCV004815825.1).

ClinVar aggregate classification (germline): Likely pathogenic (1 of 4 stars; one submission).

Conditions:
Joubert syndrome. Also called: Familial aplasia of the vermis; JOUBERT-BOLTSHAUSER SYNDROME; CEREBELLOPARENCHYMAL DISORDER IV. Identifiers: Orphanet 475, MedGen C5979921, MONDO:0018772.

Submission:

Natera, Inc.
Classification: Likely pathogenic for Joubert syndrome. Last evaluated: 2025-07-15. Review status: criteria provided, single submitter. Criteria: Natera Variant Classification Schema (03/2026). Collection method: clinical testing. Allele origin: germline.
Comment: The c.1244-1_1244insTTC variant in RPGRIP1L is a canonical splice acceptor site variant predicted to affect pre-mRNA splicing, which may result in an abnormal transcript and altered protein product. This variant is expected to result in nonsense mediated decay, truncation, or a dysfunctional protein product. This variant is rare in the general population with a frequency below the threshold expected for the associated phenotype(s). Given the available evidence, this variant is classified as Likely Pathogenic.